The following is an entry in ClinVar:

ClinVar aggregate classification (germline): Uncertain significance (1 of 4 stars; one submission).

Conditions:
Charcot-Marie-Tooth disease type 4. Also called: Charcot-Marie-Tooth, Type 4; Charcot-Marie-Tooth disease, type IV. Identifiers: Orphanet 64749, MedGen C4082197, MONDO:0018995.

Submission:

Labcorp Genetics (formerly Invitae), Labcorp
Classification: Uncertain significance for Charcot-Marie-Tooth disease type 4. Last evaluated: 2022-07-16. Review status: criteria provided, single submitter. Criteria: Invitae Variant Classification Sherloc (09022015). Collection method: clinical testing. Allele origin: germline.
Comment: This sequence change replaces glutamic acid, which is acidic and polar, with glutamine, which is neutral and polar, at codon 915 of the SBF2 protein (p.Glu915Gln). In summary, the available evidence is currently insufficient to determine the role of this variant in disease. Therefore, it has been classified as a Variant of Uncertain Significance. Algorithms developed to predict the effect of missense changes on protein structure and function are either unavailable or do not agree on the potential impact of this missense change (SIFT: "Deleterious"; PolyPhen-2: "Probably Damaging"; Align-GVGD: "Class C0"). This variant has not been reported in the literature in individuals affected with SBF2-related conditions. This variant is not present in population databases (gnomAD no frequency).

NM_030962.4(SBF2):c.2743G>C (p.Glu915Gln)

Genes: SBF2 (SET binding factor 2; minus strand), LOC101928008 (uncharacterized LOC101928008; plus strand). Cytogenetic location: 11p15.4.
Variant type: single nucleotide variant.
Coding change: c.2743G>C on transcript NM_030962.4 (MANE Select); coding-DNA position 2743, G replaced by C.
Protein change: p.Glu915Gln; replaces glutamic acid 915 with glutamine.
Molecular consequence: missense variant.
Genome position (GRCh38, 1-based): chr11:9,850,086, C>G on the plus strand (G>C on the coding strand, the complement: SBF2 is on the minus strand). VCF-style: chr11-9850086-C-G. GRCh37 (hg19) VCF-style: chr11-9871633-C-G.
Other names: c.2743G>C, p.Glu915Gln (NM_001386339.1); c.2614G>C, p.Glu872Gln (NM_001386342.1); short protein forms E915Q, E872Q.
Identifiers: ClinVar variation 1984277 (VCV001984277.4), dbSNP rs540474401, ClinGen allele CA379635490.